The following is an entry in ClinVar:

ClinVar aggregate classification (germline): Conflicting classifications of pathogenicity. Review status: criteria provided, conflicting classifications (1 of 4 stars). 4 submissions from 4 submitters: Uncertain significance (1); Benign (1); Likely benign (2). Last evaluated 2026-02-01.

Conditions:
Spastic paraplegia. Identifiers: MedGen C0037772, HP:0001258.

Allele frequency attached by ClinVar (database versions not stated): gnomAD 0.00001 and 0.00002; gnomAD exomes 0.00001 and 0.00003; ExAC 0.00002; TOPMed 0.00005; ESP Exome Variant Server 0.00009.
gnomAD v4.1: 39 of 1,208,946 alleles (0.0032%); highest among the groups gnomAD compares: Middle Eastern, 0.091%; no homozygotes.

Submissions (4):

CeGaT Center for Human Genetics Tuebingen
Classification: Likely benign. Last evaluated: 2026-02-01. Review status: criteria provided, single submitter. Criteria: CeGaT Center For Human Genetics Tuebingen Variant Classification Criteria Version 2. Collection method: clinical testing. Allele origin: germline. Affected: yes. Observed: 1 variant allele.
Comment: L1CAM: BP4, BP7, BS2

Labcorp Genetics (formerly Invitae), Labcorp
Classification: Benign for Spastic paraplegia. Last evaluated: 2025-10-01. Review status: criteria provided, single submitter. Criteria: Invitae Variant Classification Sherloc (09022015). Collection method: clinical testing. Allele origin: germline.

Laboratory of Genetics, Children's Clinical University Hospital Latvia
Classification: Likely benign. Last evaluated: 2025-02-16. Review status: criteria provided, single submitter. Criteria: ACMG Guidelines, 2015. Collection method: clinical testing. Allele origin: germline. Affected: yes.

Eurofins Ntd Llc (ga)
Classification: Uncertain significance. Last evaluated: 2014-11-05. Review status: criteria provided, single submitter. Criteria: EGL Classification Definitions 2015. Collection method: clinical testing. Allele origin: germline. Observed: 1 variant allele, 1 heterozygote.

Literature cited by the submitters: PubMed 10797421 (cited by Eurofins Ntd Llc (ga)).

NM_001278116.2(L1CAM):c.591T>C (p.Asn197=)

Gene: L1CAM (L1 cell adhesion molecule; minus strand). Cytogenetic location: Xq28.
Variant type: single nucleotide variant.
Coding change: c.591T>C on transcript NM_001278116.2 (MANE Select); coding-DNA position 591, T replaced by C.
Protein change: p.Asn197=; no amino-acid change (asparagine 197 retained).
Molecular consequence: synonymous variant.
Genome position (GRCh38, 1-based): chrX:153,870,893, A>G on the plus strand (T>C on the coding strand, the complement: L1CAM is on the minus strand). VCF-style: chrX-153870893-A-G. GRCh37 (hg19) VCF-style: chrX-153136348-A-G.
Other names: c.591T>C, p.Asn197= (NM_000425.5, NM_024003.3); c.576T>C, p.Asn192= (NM_001143963.2).
Identifiers: ClinVar variation 198080 (VCV000198080.17), dbSNP rs375862497, ClinGen allele CA246570.